The following is an entry in ClinVar:

ClinVar aggregate classification (germline): Pathogenic/Likely pathogenic. Review status: criteria provided, multiple submitters, no conflicts (2 of 4 stars). 5 submissions from 5 submitters: Pathogenic (2); Likely pathogenic (3). Last evaluated 2025-06-18.

Conditions:
Wilson disease (WND). Also called: Wilson's disease. Identifiers: Orphanet 905, MedGen C0019202, MONDO:0010200, OMIM 277900. Disease mechanism: loss of function.
ATP7B-related disorder. Also called: ATP7B-related condition.

Allele frequency attached by ClinVar (database versions not stated): ExAC 0.00002.
gnomAD v4.1: 4 of 1,601,258 alleles (0.00025%); highest among the groups gnomAD compares: South Asian, 0.0022%; no homozygotes.

Submissions (5):

Women's Health and Genetics/Laboratory Corporation of America, LabCorp
Classification: Pathogenic for Wilson disease. Last evaluated: 2025-06-18. Review status: criteria provided, single submitter. Criteria: LabCorp Variant Classification Summary - May 2015. Collection method: clinical testing. Allele origin: germline.
Comment: Variant summary: ATP7B c.3029A>G (p.Lys1010Arg) results in a conservative amino acid change in the encoded protein sequence. The variant allele was found at a frequency of 8.8e-06 in 227092 control chromosomes. c.3029A>G has been observed in multiple individuals affected with Wilson Disease (Santhosh_2006, Guggilla_2015, Kumari_2018, Santhosh_2008). These data indicate that the variant is very likely to be associated with disease. To our knowledge, no experimental evidence demonstrating an impact on protein function has been reported. The following publications have been ascertained in the context of this evaluation (PMID: 17823867, 17264425, 18698682, 25982861, 30120852). ClinVar contains an entry for this variant (Variation ID: 962980). Based on the evidence outlined above, the variant was classified as pathogenic.

Blueprint Genetics
Classification: Likely pathogenic for ATP7B-related disorders. Last evaluated: 2024-08-19. Review status: criteria provided, single submitter. Criteria: ACMG Guidelines, 2015. Collection method: clinical testing. Allele origin: germline. Affected: yes. Observed: 3 variant alleles.

Natera, Inc.
Classification: Likely pathogenic for Wilson disease. Last evaluated: 2024-02-29. Review status: criteria provided, single submitter. Criteria: Natera Variant Classification Schema (03/2026). Collection method: clinical testing. Allele origin: germline.
Comment: The c.3029A>G variant in ATP7B is a missense variant predicted to cause substitution of lysine to arginine at amino acid 1010. This variant is rare in the general population with a frequency below the threshold expected for the associated phenotype(s). This variant has been observed in one or more individuals affected with the associated recessive disease, as either homozygous or compound heterozygous with a second variant (PMID: 17264425, 20453399). A different variant at the same position has been determined to be Pathogenic or Likely Pathogenic. Computational prediction algorithms indicate this variant is likely to affect gene or protein function. Given the available evidence, this variant is classified as Likely Pathogenic.

Baylor Genetics
Classification: Likely pathogenic for Wilson disease. Last evaluated: 2023-06-20. Review status: criteria provided, single submitter. Criteria: ACMG Guidelines, 2015. Collection method: clinical testing. Allele origin: unknown.

Labcorp Genetics (formerly Invitae), Labcorp
Classification: Pathogenic for Wilson disease. Last evaluated: 2022-09-18. Review status: criteria provided, single submitter. Criteria: Invitae Variant Classification Sherloc (09022015). Collection method: clinical testing. Allele origin: germline.
Comment: For these reasons, this variant has been classified as Pathogenic. Algorithms developed to predict the effect of sequence changes on RNA splicing suggest that this variant may create or strengthen a splice site. Advanced modeling of protein sequence and biophysical properties (such as structural, functional, and spatial information, amino acid conservation, physicochemical variation, residue mobility, and thermodynamic stability) performed at Invitae indicates that this missense variant is expected to disrupt ATP7B protein function. ClinVar contains an entry for this variant (Variation ID: 962980). This missense change has been observed in individual(s) with Wilson disease (PMID: 17264425, 18698682, 30120852). It has also been observed to segregate with disease in related individuals. This variant is present in population databases (rs747584649, gnomAD 0.007%). This sequence change replaces lysine, which is basic and polar, with arginine, which is basic and polar, at codon 1010 of the ATP7B protein (p.Lys1010Arg).

Literature cited by the submitters: PubMed 17823867 (cited by Women's Health and Genetics/Laboratory Corporation of America, LabCorp); PubMed 17264425 (cited by 3 submitters); PubMed 18698682 (cited by Women's Health and Genetics/Laboratory Corporation of America, LabCorp and Labcorp Genetics (formerly Invitae), Labcorp); PubMed 25982861 (cited by Women's Health and Genetics/Laboratory Corporation of America, LabCorp); PubMed 30120852 (cited by Women's Health and Genetics/Laboratory Corporation of America, LabCorp and Labcorp Genetics (formerly Invitae), Labcorp); PubMed 20453399 (cited by Natera, Inc.).

NM_000053.4(ATP7B):c.3029A>G (p.Lys1010Arg)

Gene: ATP7B (ATPase copper transporting beta; minus strand). Cytogenetic location: 13q14.3.
Variant type: single nucleotide variant.
Coding change: c.3029A>G on transcript NM_000053.4 (MANE Select); coding-DNA position 3029, A replaced by G.
Protein change: p.Lys1010Arg; replaces lysine 1010 with arginine.
Molecular consequence: missense variant.
Genome position (GRCh38, 1-based): chr13:51,946,315, T>C on the plus strand (A>G on the coding strand, the complement: ATP7B is on the minus strand). VCF-style: chr13-51946315-T-C. GRCh37 (hg19) VCF-style: chr13-52520451-T-C.
Other names: c.2408A>G, p.Lys803Arg (NM_001005918.3); c.2696A>G, p.Lys899Arg (NM_001243182.2); c.2795A>G, p.Lys932Arg (NM_001330578.2); c.2777A>G, p.Lys926Arg (NM_001330579.2); short protein forms K932R, K1010R, K803R, K899R, K926R.
Identifiers: ClinVar variation 962980 (VCV000962980.17), dbSNP rs747584649, ClinGen allele CA6988835.